The following is an entry in ClinVar:

ClinVar aggregate classification (germline): Likely pathogenic. Review status: criteria provided, multiple submitters, no conflicts (2 of 4 stars). 2 submissions from 2 submitters: Likely pathogenic (2). Last evaluated 2025-06-05.

Conditions:
Baraitser-Winter syndrome 1 (BRWS1). Also called: PACHYGYRIA, MENTAL RETARDATION, EPILEPSY, AND CHARACTERISTIC FACIES; MENTAL RETARDATION WITH EPILEPSY AND CHARACTERISTIC FACIES; Cerebrofrontofacial syndrome; BARAITSER-WINTER SYNDROME 1, ATYPICAL. Identifiers: Orphanet 2649, Orphanet 2995, MedGen C1855722, MONDO:0009470, OMIM 243310.
Inborn genetic diseases. Identifiers: MedGen C0950123, MeSH D030342.

Submissions (2):

Ambry Genetics
Classification: Likely pathogenic for Inborn genetic diseases. Last evaluated: 2025-06-05. Review status: criteria provided, single submitter. Criteria: Ambry Variant Classification Scheme 2023. Collection method: clinical testing. Allele origin: germline.
Comment: The c.1021A>G (p.I341V) alteration is located in exon 6 (coding exon 5) of the ACTB gene. This alteration results from a A to G substitution at nucleotide position 1021, causing the isoleucine (I) at amino acid position 341 to be replaced by a valine (V). This variant was not reported in population-based cohorts in the Genome Aggregation Database (gnomAD). This variant was determined to be de novo in at least one individual with features consistent with ACTB-related Baraitser-Winter syndrome (external communication). This amino acid position is highly conserved in available vertebrate species. The in silico prediction for this alteration is inconclusive. Based on the available evidence, this alteration is classified as likely pathogenic.

Labcorp Genetics (formerly Invitae), Labcorp
Classification: Likely pathogenic for Baraitser-Winter syndrome 1. Last evaluated: 2024-07-18. Review status: criteria provided, single submitter. Criteria: Invitae Variant Classification Sherloc (09022015). Collection method: clinical testing. Allele origin: germline.
Comment: This sequence change replaces isoleucine, which is neutral and non-polar, with valine, which is neutral and non-polar, at codon 341 of the ACTB protein (p.Ile341Val). This variant is not present in population databases (gnomAD no frequency). This missense change has been observed in individual(s) with clinical features of Baraister-Winter syndrome (Invitae). In at least one individual the variant was observed to be de novo. ClinVar contains an entry for this variant (Variation ID: 985391). Advanced modeling of protein sequence and biophysical properties (such as structural, functional, and spatial information, amino acid conservation, physicochemical variation, residue mobility, and thermodynamic stability) performed at Invitae indicates that this missense variant is not expected to disrupt ACTB protein function with a negative predictive value of 80%. In summary, the currently available evidence indicates that the variant is pathogenic, but additional data are needed to prove that conclusively. Therefore, this variant has been classified as Likely Pathogenic.

NM_001101.5(ACTB):c.1021A>G (p.Ile341Val)

Gene: ACTB (actin beta; minus strand). Cytogenetic location: 7p22.1.
Variant type: single nucleotide variant.
Coding change: c.1021A>G on transcript NM_001101.5 (MANE Select); coding-DNA position 1021, A replaced by G.
Protein change: p.Ile341Val; replaces isoleucine 341 with valine.
Molecular consequence: missense variant.
Genome position (GRCh38, 1-based): chr7:5,527,855, T>C on the plus strand (A>G on the coding strand, the complement: ACTB is on the minus strand). VCF-style: chr7-5527855-T-C. GRCh37 (hg19) VCF-style: chr7-5567486-T-C.
Other names: short protein forms I341V.
Identifiers: ClinVar variation 985391 (VCV000985391.6), dbSNP rs886041305, ClinGen allele CA366699314.